The following is an entry in ClinVar:

NM_004369.4(COL6A3):c.1334A>T (p.Asp445Val)

Gene: COL6A3 (collagen type VI alpha 3 chain; minus strand). Cytogenetic location: 2q37.3.
Variant type: single nucleotide variant.
Coding change: c.1334A>T on transcript NM_004369.4 (MANE Select); coding-DNA position 1334, A replaced by T.
Protein change: p.Asp445Val; replaces aspartic acid 445 with valine.
Molecular consequence: missense variant.
Genome position (GRCh38, 1-based): chr2:237,381,478, T>A on the plus strand (A>T on the coding strand, the complement: COL6A3 is on the minus strand). VCF-style: chr2-237381478-T-A. GRCh37 (hg19) VCF-style: chr2-238290121-T-A.
Other names: c.113A>T, p.Asp38Val (NM_057164.5, NM_057166.5); c.716A>T, p.Asp239Val (NM_057165.5, NM_057167.4); short protein forms D239V, D38V, D445V.
Identifiers: ClinVar variation 2652051 (VCV002652051.25), dbSNP rs2078005083, ClinGen allele CA351218403.

ClinVar aggregate classification (germline): Uncertain significance. Review status: criteria provided, multiple submitters, no conflicts (2 of 4 stars). 2 submissions from 2 submitters: Uncertain significance (2). Last evaluated 2022-04-14.

Conditions:
Dystonia 27 (DYT27). Identifiers: Orphanet 464440, MedGen C4225336, MONDO:0014627, OMIM 616411.

Allele frequency attached by ClinVar (database versions not stated): gnomAD exomes below 0.00001; TOPMed below 0.00001.
gnomAD v4.1: 1 of 1,604,274 alleles (0.000062%); highest among the groups gnomAD compares: Middle Eastern, 0.017%; no homozygotes.

Submissions (2):

Department of Pathology and Laboratory Medicine, Sinai Health System
Classification: Uncertain significance for dystonia 27. Last evaluated: 2022-04-14. Review status: criteria provided, single submitter. Criteria: ACMG Guidelines, 2015. Collection method: research. Allele origin: germline.

CeGaT Center for Human Genetics Tuebingen
Classification: Uncertain significance. Last evaluated: 2022-04-01. Review status: criteria provided, single submitter. Criteria: CeGaT Center For Human Genetics Tuebingen Variant Classification Criteria Version 2. Collection method: clinical testing. Allele origin: germline. Affected: yes. Observed: 1 variant allele.
Comment: COL6A3: PM2